The following is an entry in ClinVar:

NM_006204.4(PDE6C):c.1504C>T (p.Arg502Cys)

Gene: PDE6C (phosphodiesterase 6C; plus strand). Cytogenetic location: 10q23.33.
Variant type: single nucleotide variant.
Coding change: c.1504C>T on transcript NM_006204.4 (MANE Select); coding-DNA position 1504, C replaced by T.
Protein change: p.Arg502Cys; replaces arginine 502 with cysteine.
Molecular consequence: missense variant.
Genome position (GRCh38, 1-based): chr10:93,640,091, C>T. VCF-style: chr10-93640091-C-T. GRCh37 (hg19) VCF-style: chr10-95399848-C-T.
Other names: short protein forms R502C.
Identifiers: ClinVar variation 1023498 (VCV001023498.8), dbSNP rs145216599, ClinGen allele CA5610218.

ClinVar aggregate classification (germline): Uncertain significance. Review status: criteria provided, multiple submitters, no conflicts (2 of 4 stars). 2 submissions from 2 submitters: Uncertain significance (2). Last evaluated 2024-11-11.

Allele frequency attached by ClinVar (database versions not stated): gnomAD exomes below 0.00001; TOPMed 0.00002; ExAC 0.00003; ESP Exome Variant Server 0.00008.
gnomAD v4.1: 12 of 1,613,974 alleles (0.00074%); highest among the groups gnomAD compares: South Asian, 0.0033%; no homozygotes.

Submissions (2):

Blueprint Genetics
Classification: Uncertain significance. Last evaluated: 2024-11-11. Review status: criteria provided, single submitter. Criteria: ACMG Guidelines, 2015. Collection method: clinical testing. Allele origin: germline.

Labcorp Genetics (formerly Invitae), Labcorp
Classification: Uncertain significance. Last evaluated: 2024-10-26. Review status: criteria provided, single submitter. Criteria: Invitae Variant Classification Sherloc (09022015). Collection method: clinical testing. Allele origin: germline.
Comment: This sequence change replaces arginine, which is basic and polar, with cysteine, which is neutral and slightly polar, at codon 502 of the PDE6C protein (p.Arg502Cys). This variant is present in population databases (rs145216599, gnomAD 0.005%). This variant has not been reported in the literature in individuals affected with PDE6C-related conditions. ClinVar contains an entry for this variant (Variation ID: 1023498). Invitae Evidence Modeling of protein sequence and biophysical properties (such as structural, functional, and spatial information, amino acid conservation, physicochemical variation, residue mobility, and thermodynamic stability) indicates that this missense variant is not expected to disrupt PDE6C protein function with a negative predictive value of 80%. In summary, the available evidence is currently insufficient to determine the role of this variant in disease. Therefore, it has been classified as a Variant of Uncertain Significance.